The following is an entry in ClinVar:

NM_001164508.2(NEB):c.17182dup (p.Asp5728fs)

Gene: NEB (nebulin; minus strand). Cytogenetic location: 2q23.3.
Variant type: Duplication.
Coding change: c.17182dup on transcript NM_001164508.2 (MANE Select); coding-DNA position 17182, one base duplicated (G; older notation c.17182dupG).
Protein change: p.Asp5728fs; shifts the reading frame from aspartic acid 5728.
Molecular consequence: frameshift variant.
Genome position (GRCh38, 1-based): chr2:151,570,329, C duplicated on the plus strand (G on the coding strand, the reverse complement: NEB is on the minus strand); the first of 3 consecutive C bases (chr2:151,570,329-151,570,331); duplicating any one gives the same sequence. VCF-style (leftmost placement, unchanged base first): chr2-151570328-T-TC. GRCh37 (hg19) VCF-style: chr2-152426842-T-TC.
Other names: c.17182dupG (NM_001271208.1); c.17182dup, p.Asp5728fs (NM_001164507.2, NM_001271208.2); c.12079dup, p.Asp4027fs (NM_004543.5); short protein forms D4027fs, D5728fs.
Identifiers: ClinVar variation 4814734 (VCV004814734.1).
Genomic context (GRCh38, chr2:151,570,328, plus strand): 5'-CGGTACTCTCGTTCATTCTGGAGCTTGTCAGCTATGAGGGCCCAGCGGATCTTGTTGTCA[T>TC]CCCTGGCTGTGAGGGTGCCCACGTAGTGTCCCTTCTGCTTCTCATGGTCAAGCTTATATT-3'

ClinVar aggregate classification (germline): Likely pathogenic (1 of 4 stars; one submission).

Conditions:
Nemaline myopathy 2 (NEM2). Also called: Nemaline myopathy 2, autosomal recessive. Identifiers: MedGen C1850569, MONDO:0009725, OMIM 256030.

Submission:

Natera, Inc.
Classification: Likely pathogenic for Nemaline myopathy type 2. Last evaluated: 2024-09-16. Review status: criteria provided, single submitter. Criteria: Natera Variant Classification Schema (03/2026). Collection method: clinical testing. Allele origin: germline.
Comment: The c.17182dupG variant in NEB is a frameshift variant predicted to shift the reading frame beginning at codon 5728 and leads to a stop codon 2 codons downstream. This variant is expected to result in nonsense mediated decay, truncation, or a dysfunctional protein product. This variant is rare in the general population with a frequency below the threshold expected for the associated phenotype(s). Given the available evidence, this variant is classified as Likely Pathogenic.